The following is an entry in ClinVar:

ClinVar aggregate classification (germline): Uncertain significance (0 of 4 stars; one submission).

Conditions:
SON-related disorder. Also called: SON-related condition.

Submission:

PreventionGenetics, part of Exact Sciences
Classification: Uncertain significance for SON-related condition. Last evaluated: 2024-02-05. Review status: no assertion criteria provided. Collection method: clinical testing. Allele origin: germline.
Comment: The SON c.1493C>A variant is predicted to result in the amino acid substitution p.Thr498Lys. To our knowledge, this variant has not been reported in the literature or in a large population database, indicating this variant is rare. At this time, the clinical significance of this variant is uncertain due to the absence of conclusive functional and genetic evidence.

NM_138927.4(SON):c.1493C>A (p.Thr498Lys)

Genes: MIR6501 (microRNA 6501; plus strand), SON (SON DNA and RNA binding protein; plus strand). Cytogenetic location: 21q22.11.
Variant type: single nucleotide variant.
Coding change: c.1493C>A on transcript NM_138927.4 (MANE Select); coding-DNA position 1493, C replaced by A.
Protein change: p.Thr498Lys; replaces threonine 498 with lysine.
Molecular consequence: missense variant. On other transcripts: non-coding transcript variant (2), intron variant (1).
Genome position (GRCh38, 1-based): chr21:33,550,724, C>A. VCF-style: chr21-33550724-C-A. GRCh37 (hg19) VCF-style: chr21-34923030-C-A.
Other names: c.1493C>A, p.Thr498Lys (NM_001291411.2, NM_001412133.1, NM_032195.3 and 2 more transcripts); c.244+4345C>A (NM_001291412.3); short protein forms T498K.
Identifiers: ClinVar variation 3033155 (VCV003033155.2), dbSNP rs1402852534, ClinGen allele CA410154162.